The following is an entry in ClinVar:

ClinVar aggregate classification (germline): Benign (1 of 4 stars; one submission).

Conditions:
Weill-Marchesani 4 syndrome, recessive. Also called: Weill-Marchesani syndrome 4. Identifiers: Orphanet 363992, MedGen C2750787, MONDO:0013176, OMIM 613195.

Allele frequency attached by ClinVar (database versions not stated): gnomAD 0.06134 and 0.06591; 1000 Genomes Project 0.06809; TOPMed 0.06969; 1000 Genomes Project 30x 0.07277.

Submission:

Illumina Laboratory Services, Illumina
Classification: Benign for Weill-Marchesani 4 syndrome, recessive. Last evaluated: 2018-01-13. Review status: criteria provided, single submitter. Criteria: ICSL Variant Classification Criteria 13 December 2019. Collection method: clinical testing. Allele origin: germline.
Comment: This variant was observed in the ICSL laboratory as part of a predisposition screen in an ostensibly healthy population. It had not been previously curated by ICSL or reported in the Human Gene Mutation Database (HGMD: prior to June 1st, 2018), and was therefore a candidate for classification through an automated scoring system. Utilizing variant allele frequency, disease prevalence and penetrance estimates, and inheritance mode, an automated score was calculated to assess if this variant is too frequent to cause the disease. Based on the score and internal cut-off values, a variant classified as benign is not then subjected to further curation. The score for this variant resulted in a classification of benign for this disease.

NM_139057.4(ADAMTS17):c.*2541A>G

Gene: ADAMTS17 (ADAM metallopeptidase with thrombospondin type 1 motif 17; minus strand). Cytogenetic location: 15q26.3.
Variant type: single nucleotide variant.
Coding change: c.*2541A>G on transcript NM_139057.4 (MANE Select); 2541 bases downstream of the stop codon, A replaced by G.
Molecular consequence: 3 prime UTR variant.
Genome position (GRCh38, 1-based): chr15:99,971,861, T>C on the plus strand (A>G on the coding strand, the complement: ADAMTS17 is on the minus strand). VCF-style: chr15-99971861-T-C. GRCh37 (hg19) VCF-style: chr15-100512066-T-C.
Identifiers: ClinVar variation 315137 (VCV000315137.5), dbSNP rs8041971, ClinGen allele CA10646819.